The following is an entry in ClinVar:

ClinVar aggregate classification (germline): Uncertain significance (1 of 4 stars; one submission).

Conditions:
Intellectual disability, autosomal recessive 53 (NEDHSCA). Also called: NEURODEVELOPMENTAL DISORDER WITH OR WITHOUT HYPOTONIA, SEIZURES, AND CEREBELLAR ATROPHY; GLYCOSYLPHOSPHATIDYLINOSITOL BIOSYNTHESIS DEFECT 13; Mental retardation, autosomal recessive 53. Identifiers: Orphanet 488635, MedGen C4310794, MONDO:0014832, OMIM 616917.

Allele frequency attached by ClinVar (database versions not stated): gnomAD exomes below 0.00001 and 0.00001; gnomAD 0.00001; ExAC 0.00002; TOPMed 0.00002; ESP Exome Variant Server 0.00008.

Submission:

Labcorp Genetics (formerly Invitae), Labcorp
Classification: Uncertain significance for Intellectual disability, autosomal recessive 53. Last evaluated: 2021-08-30. Review status: criteria provided, single submitter. Criteria: Invitae Variant Classification Sherloc (09022015). Collection method: clinical testing. Allele origin: germline.
Comment: This sequence change replaces leucine with phenylalanine at codon 449 of the PIGG protein (p.Leu449Phe). The leucine residue is moderately conserved and there is a small physicochemical difference between leucine and phenylalanine. This variant is present in population databases (rs374787706, ExAC 0.02%). This variant has not been reported in the literature in individuals affected with PIGG-related conditions. Algorithms developed to predict the effect of missense changes on protein structure and function output the following: SIFT: "Tolerated"; PolyPhen-2: "Benign"; Align-GVGD: "Class C0". The phenylalanine amino acid residue is found in multiple mammalian species, which suggests that this missense change does not adversely affect protein function. In summary, the available evidence is currently insufficient to determine the role of this variant in disease. Therefore, it has been classified as a Variant of Uncertain Significance.

NM_001127178.3(PIGG):c.1345C>T (p.Leu449Phe)

Gene: PIGG (phosphatidylinositol glycan anchor biosynthesis class G (EMM blood group); plus strand). Cytogenetic location: 4p16.3.
Variant type: single nucleotide variant.
Coding change: c.1345C>T on transcript NM_001127178.3 (MANE Select); coding-DNA position 1345, C replaced by T.
Protein change: p.Leu449Phe; replaces leucine 449 with phenylalanine.
Molecular consequence: missense variant. On other transcripts: synonymous variant (1), 5 prime UTR variant (2), non-coding transcript variant (10).
Genome position (GRCh38, 1-based): chr4:521,672, C>T. VCF-style: chr4-521672-C-T. GRCh37 (hg19) VCF-style: chr4-515461-C-T.
Other names: c.1078C>T, p.Leu360Phe (NM_001289051.2, NM_001289053.2, NM_001345986.2); c.946C>T, p.Leu316Phe (NM_001289052.2); c.933C>T, p.Cys311= (NM_001289055.2); c.860C>T, p.Ala287Val (NM_001289057.2); c.1054C>T, p.Leu352Phe (NM_001345987.2); c.316C>T, p.Leu106Phe (NM_001345988.2); c.1345C>T, p.Leu449Phe (NM_001345989.2); c.-189C>T (NM_001345990.2, NM_001345991.2); and 2 more; short protein forms A287V, L106F, L316F, L352F, L360F, L441F, L449F, L83F.
Identifiers: ClinVar variation 1017892 (VCV001017892.6), dbSNP rs374787706, ClinGen allele CA2793293.